The following is an entry in ClinVar:

ClinVar aggregate classification (germline): Uncertain significance. Review status: criteria provided, multiple submitters, no conflicts (2 of 4 stars). 2 submissions from 2 submitters: Uncertain significance (2). Last evaluated 2025-05-05.

Conditions:
Nephronophthisis 14 (NPHP14). Identifiers: Orphanet 2318, MedGen C3539071, MONDO:0013916, OMIM 614844.

Allele frequency attached by ClinVar (database versions not stated): ExAC 0.00001; gnomAD 0.00001; gnomAD exomes 0.00001; TOPMed 0.00002.
gnomAD v4.1: 11 of 1,594,158 alleles (0.00069%); highest among the groups gnomAD compares: Admixed American, 0.0053%; no homozygotes.

Submissions (2):

Labcorp Genetics (formerly Invitae), Labcorp
Classification: Uncertain significance for Nephronophthisis 14. Last evaluated: 2025-05-05. Review status: criteria provided, single submitter. Criteria: Invitae Variant Classification Sherloc (09022015). Collection method: clinical testing. Allele origin: germline.
Comment: This sequence change replaces alanine, which is neutral and non-polar, with threonine, which is neutral and polar, at codon 1100 of the ZNF423 protein (p.Ala1100Thr). This variant is present in population databases (rs778755872, gnomAD 0.003%). This variant has not been reported in the literature in individuals affected with ZNF423-related conditions. ClinVar contains an entry for this variant (Variation ID: 1356548). Invitae Evidence Modeling of protein sequence and biophysical properties (such as structural, functional, and spatial information, amino acid conservation, physicochemical variation, residue mobility, and thermodynamic stability) indicates that this missense variant is not expected to disrupt ZNF423 protein function with a negative predictive value of 80%. In summary, the available evidence is currently insufficient to determine the role of this variant in disease. Therefore, it has been classified as a Variant of Uncertain Significance.

Revvity Omics, Revvity
Classification: Uncertain significance for Nephronophthisis 14. Last evaluated: 2019-09-27. Review status: criteria provided, single submitter. Criteria: ACMG Guidelines, 2015. Collection method: clinical testing. Allele origin: germline.

NM_001379286.1(ZNF423):c.3322G>A (p.Ala1108Thr)

Gene: ZNF423 (zinc finger protein 423; minus strand). Cytogenetic location: 16q12.1.
Variant type: single nucleotide variant.
Coding change: c.3322G>A on transcript NM_001379286.1 (MANE Select); coding-DNA position 3322, G replaced by A.
Protein change: p.Ala1108Thr; replaces alanine 1108 with threonine.
Molecular consequence: missense variant.
Genome position (GRCh38, 1-based): chr16:49,635,854, C>T on the plus strand (G>A on the coding strand, the complement: ZNF423 is on the minus strand). VCF-style: chr16-49635854-C-T. GRCh37 (hg19) VCF-style: chr16-49669765-C-T.
Other names: c.3118G>A, p.Ala1040Thr (NM_001271620.2); c.2947G>A, p.Ala983Thr (NM_001330533.2); c.3298G>A, p.Ala1100Thr (NM_015069.5); c.3298G>A (NM_015069.4, NM_015069.3); short protein forms A1100T, A983T, A1040T, A1108T.
Identifiers: ClinVar variation 1356548 (VCV001356548.8), dbSNP rs778755872, ClinGen allele CA8046335.